The following is an entry in ClinVar:

NM_000059.4(BRCA2):c.4118T>G (p.Met1373Arg)

Gene: BRCA2 (BRCA2 DNA repair associated; plus strand). Cytogenetic location: 13q13.1.
Variant type: single nucleotide variant.
Coding change: c.4118T>G on transcript NM_000059.4 (MANE Select); coding-DNA position 4118, T replaced by G.
Protein change: p.Met1373Arg; replaces methionine 1373 with arginine.
Molecular consequence: missense variant.
Genome position (GRCh38, 1-based): chr13:32,338,473, T>G. VCF-style: chr13-32338473-T-G. GRCh37 (hg19) VCF-style: chr13-32912610-T-G.
Other names: short protein forms M1373R.
Identifiers: ClinVar variation 933831 (VCV000933831.12), dbSNP rs750581150, ClinGen allele CA6940750.

ClinVar aggregate classification (germline): Conflicting classifications of pathogenicity. Review status: criteria provided, conflicting classifications (1 of 4 stars). 3 submissions from 3 submitters: Uncertain significance (1); Likely benign (1). 1 of the submissions does not count toward it. Last evaluated 2024-06-25.

Conditions:
Hereditary cancer-predisposing syndrome. Also called: Tumor predisposition; Hereditary neoplastic syndrome; Neoplastic Syndromes, Hereditary; Hereditary Cancer Syndrome. Identifiers: Orphanet 140162, MedGen C0027672, MeSH D009386, MONDO:0015356.
Hereditary breast ovarian cancer syndrome. Also called: Breast and ovarian cancer; BRCA1- and BRCA2-Associated Hereditary Breast and Ovarian Cancer; Hereditary breast and ovarian cancer; Hereditary breast and/or ovarian cancer syndrome; Hereditary breast and ovarian cancer syndrome; Hereditary breast and ovarian cancer syndrome (HBOC). Identifiers: Orphanet 145, MedGen C0677776, MeSH D061325, MONDO:0003582. Disease mechanism: loss of function.
Breast-ovarian cancer, familial, susceptibility to, 2 (BROVCA2). Also called: BRCA2 Hereditary Breast and Ovarian Cancer. Identifiers: Orphanet 145, MedGen C2675520, MONDO:0012933, OMIM 612555. Disease mechanism: loss of function.

Allele frequency attached by ClinVar (database versions not stated): TOPMed below 0.00001.

Submissions (3):

Labcorp Genetics (formerly Invitae), Labcorp
Classification: Uncertain significance for Hereditary breast ovarian cancer syndrome. Last evaluated: 2024-06-25. Review status: criteria provided, single submitter. Criteria: Invitae Variant Classification Sherloc (09022015). Collection method: clinical testing. Allele origin: germline.
Comment: This sequence change replaces methionine, which is neutral and non-polar, with arginine, which is basic and polar, at codon 1373 of the BRCA2 protein (p.Met1373Arg). This variant is present in population databases (rs750581150, gnomAD 0.0009%). This variant has not been reported in the literature in individuals affected with BRCA2-related conditions. ClinVar contains an entry for this variant (Variation ID: 933831). Advanced modeling of protein sequence and biophysical properties (such as structural, functional, and spatial information, amino acid conservation, physicochemical variation, residue mobility, and thermodynamic stability) performed at Invitae indicates that this missense variant is not expected to disrupt BRCA2 protein function with a negative predictive value of 95%. In summary, the available evidence is currently insufficient to determine the role of this variant in disease. Therefore, it has been classified as a Variant of Uncertain Significance.

University of Washington Department of Laboratory Medicine, University of Washington
Classification: Likely benign for Hereditary cancer-predisposing syndrome. Last evaluated: 2023-03-23. Review status: criteria provided, single submitter. Criteria: Dines et al. (Genet Med. 2020). Collection method: curation. Allele origin: germline.
Comment: Missense variant in a coldspot region where missense variants are very unlikely to be pathogenic (PMID:31911673).

BRCA2 exon 11 coldspot. Reclassification based on statistical prior probability.

BRCAlab, Lund University
Classification: Uncertain significance for Breast-ovarian cancer, familial, susceptibility to, 2. Last evaluated: 2020-03-02. Review status: no assertion criteria provided. Collection method: clinical testing. Allele origin: germline. Affected: yes. Not counted in ClinVar's aggregate classification.